The following is an entry in ClinVar:

NM_005591.4(MRE11):c.1080G>T (p.Lys360Asn)

Gene: MRE11 (MRE11 double strand break repair nuclease; minus strand). Cytogenetic location: 11q21.
Variant type: single nucleotide variant.
Coding change: c.1080G>T on transcript NM_005591.4 (MANE Select); coding-DNA position 1080, G replaced by T.
Protein change: p.Lys360Asn; replaces lysine 360 with asparagine.
Molecular consequence: missense variant.
Genome position (GRCh38, 1-based): chr11:94,467,831, C>A on the plus strand (G>T on the coding strand, the complement: MRE11 is on the minus strand). VCF-style: chr11-94467831-C-A. GRCh37 (hg19) VCF-style: chr11-94200997-C-A.
Other names: c.1080G>T, p.Lys360Asn (NM_001330347.2, NM_005590.4); short protein forms K360N.
Identifiers: ClinVar variation 3224814 (VCV003224814.1), dbSNP rs2496459926, ClinGen allele CA382373686.

ClinVar aggregate classification (germline): Uncertain significance (1 of 4 stars; one submission).

Conditions:
Hereditary cancer-predisposing syndrome. Also called: Tumor predisposition; Hereditary neoplastic syndrome; Hereditary Cancer Syndrome; Neoplastic Syndromes, Hereditary. Identifiers: Orphanet 140162, MedGen C0027672, MeSH D009386, MONDO:0015356.

Allele frequency attached by ClinVar (database versions not stated): gnomAD exomes below 0.00001.
gnomAD v4.1: 4 of 1,613,304 alleles (0.00025%); highest among the groups gnomAD compares: Non-Finnish European, 0.00025%; no homozygotes.

Submission:

Ambry Genetics
Classification: Uncertain significance for Hereditary cancer-predisposing syndrome. Last evaluated: 2023-09-16. Review status: criteria provided, single submitter. Criteria: Ambry Variant Classification Scheme 2023. Collection method: clinical testing. Allele origin: germline.
Comment: The p.K360N variant (also known as c.1080G>T), located in coding exon 9 of the MRE11A gene, results from a G to T substitution at nucleotide position 1080. The lysine at codon 360 is replaced by asparagine, an amino acid with similar properties. This amino acid position is conserved. In addition, the in silico prediction for this alteration is inconclusive. Since supporting evidence is limited at this time, the clinical significance of this alteration remains unclear.